The following is an entry in ClinVar:

ClinVar aggregate classification (germline): Pathogenic/Likely pathogenic. Review status: criteria provided, multiple submitters, no conflicts (2 of 4 stars). 8 submissions from 8 submitters: Pathogenic (6); Likely pathogenic (1). 1 of the submissions does not count toward it. Last evaluated 2025-11-04.

Conditions:
CNGB1-related disorder. Also called: CNGB1-related condition.
Retinitis pigmentosa (RP). Identifiers: Orphanet 791, MedGen C0035334, MeSH D012174, MONDO:0019200, OMIM 268000. Inheritance: Autosomal dominant, autosomal recessive and X linked inheritance.
Retinitis pigmentosa 45 (RP45). Identifiers: Orphanet 791, MedGen C3151066, MONDO:0013413, OMIM 613767.

Submissions (8):

3billion
Classification: Pathogenic for Retinitis pigmentosa 45. Last evaluated: 2025-11-04. Review status: criteria provided, single submitter. Criteria: ACMG Guidelines, 2015. Collection method: clinical testing. Allele origin: germline. Affected: yes.
Comment: The variant is observed at an extremely low frequency in the gnomAD v4.1.0 dataset (total allele frequency: 0.009%). Predicted Consequence/Location: Frameshift: predicted to result in a loss or disruption of normal protein function through nonsense-mediated decay (NMD) or protein truncation. Multiple pathogenic variants are reported downstream of the variant. The variant has been reported to co-segregate with the disease in at least one similarly affected relative/individual in the same family or similarly affected unrelated families (PMID: 28056120). The variant has been reported at least twice as pathogenic with clinical assertions and evidence for the classification (ClinVar ID: VCV000437975 /PMID: 28056120). Therefore, this variant is classified as Pathogenic according to the recommendation of ACMG/AMP guideline.

Labcorp Genetics (formerly Invitae), Labcorp
Classification: Pathogenic. Last evaluated: 2025-10-14. Review status: criteria provided, single submitter. Criteria: Invitae Variant Classification Sherloc (09022015). Collection method: clinical testing. Allele origin: germline.
Comment: This sequence change creates a premature translational stop signal (p.Ala1048Glyfs*13) in the CNGB1 gene. It is expected to result in an absent or disrupted protein product. Loss-of-function variants in CNGB1 are known to be pathogenic (PMID: 15557452, 24043777). This variant is present in population databases (rs756806434, gnomAD 0.008%). This premature translational stop signal has been observed in individual(s) with retinitis pigmentosa (PMID: 28056120). ClinVar contains an entry for this variant (Variation ID: 437975). For these reasons, this variant has been classified as Pathogenic.

PreventionGenetics, part of Exact Sciences
Classification: Pathogenic for CNGB1-related condition. Last evaluated: 2025-05-21. Review status: criteria provided, single submitter. Criteria: ACMG Guidelines, 2015. Collection method: clinical testing. Allele origin: germline.
Comment: The CNGB1 c.3139_3142dupGTGG variant is predicted to result in a frameshift and premature protein termination (p.Ala1048Glyfs*13). This variant has been reported in individuals with retinitis pigmentosa (Hull et al. 2017. PubMed ID: 28056120; Dataset 1 in Hou et al. 2020. PubMed ID: 31980526; Table S1 in Weisschuh et al. 2020. PubMed ID: 32531858). This variant is reported in 0.0078% of alleles in individuals of European (Non-Finnish) descent in gnomAD. Frameshift variants in CNGB1 are expected to be pathogenic. Given the evidence, we interpret this variant as pathogenic.

Fulgent Genetics
Classification: Pathogenic for Retinitis pigmentosa 45. Last evaluated: 2024-04-23. Review status: criteria provided, single submitter. Criteria: ACMG Guidelines, 2015. Collection method: clinical testing. Allele origin: germline.

GeneDx
Classification: Pathogenic. Last evaluated: 2024-03-27. Review status: criteria provided, single submitter. Criteria: GeneDx Variant Classification Process June 2021. Collection method: clinical testing. Allele origin: germline. Affected: yes.
Comment: Frameshift variant predicted to result in protein truncation or nonsense mediated decay in a gene for which loss of function is a known mechanism of disease; This variant is associated with the following publications: (PMID: 34426522, 32531858, 28041643, 34906470, 31980526, 32967234, 28056120, 33847019)

Blueprint Genetics
Classification: Pathogenic for CNGB1-related disorders. Last evaluated: 2023-07-20. Review status: criteria provided, single submitter. Criteria: ACMG Guidelines, 2015. Collection method: clinical testing. Allele origin: germline. Affected: yes. Observed: 5 variant alleles.

Broad Center for Mendelian Genomics, Broad Institute of MIT and Harvard
Classification: Likely pathogenic for Retinitis pigmentosa. Last evaluated: 2021-04-01. Review status: criteria provided, single submitter. Criteria: ACMG Guidelines, 2015. Collection method: curation. Allele origin: germline. Inheritance: Autosomal recessive inheritance. Affected: yes.
Comment: Through a review of available evidence we were able to apply the following criteria: PVS1, PM2. Based on this evidence we have classified this variant as Likely Pathogenic. If you have any questions about the classification please reach out to the Pierce Lab.

NIHR Bioresource Rare Diseases, University of Cambridge
Classification: Likely pathogenic for Retinitis pigmentosa. Last evaluated: 2015-01-01. Review status: no assertion criteria provided. Collection method: research. Allele origin: unknown. Affected: yes. Observed: 1 variant allele. Not counted in ClinVar's aggregate classification.

Literature cited by the submitters: PubMed 28056120 (cited by 3 submitters); PubMed 15557452 (cited by Labcorp Genetics (formerly Invitae), Labcorp); PubMed 24043777 (cited by Labcorp Genetics (formerly Invitae), Labcorp); PubMed 34906470 (cited by Broad Center for Mendelian Genomics, Broad Institute of MIT and Harvard); PubMed 28041643 (cited by Broad Center for Mendelian Genomics, Broad Institute of MIT and Harvard and NIHR Bioresource Rare Diseases, University of Cambridge).

NM_001297.5(CNGB1):c.3139_3142dup (p.Ala1048fs)

Gene: CNGB1 (cyclic nucleotide gated channel subunit beta 1; minus strand). Cytogenetic location: 16q21.
Variant type: Duplication.
Coding change: c.3139_3142dup on transcript NM_001297.5 (MANE Select); coding-DNA positions 3139 to 3142, 4 bases duplicated (GTGG; older notation c.3139_3142dupGTGG).
Protein change: p.Ala1048fs; shifts the reading frame from alanine 1048.
Molecular consequence: frameshift variant.
Genome position (GRCh38, 1-based): chr16:57,897,497-57,897,500, CCAC duplicated on the plus strand (GTGG on the coding strand, the reverse complement: CNGB1 is on the minus strand); duplicating any 4 consecutive bases within chr16:57,897,497-57,897,501 gives the same sequence; the c. name uses the placement nearest the transcript's 3' end. VCF-style (leftmost placement, unchanged base first): chr16-57897496-G-GCCAC. GRCh37 (hg19) VCF-style: chr16-57931400-G-GCCAC.
Other names: c.3121_3124dup, p.Ala1042fs (NM_001286130.2); c.3139_3142dupGTGG (NM_001297.4); short protein forms A1048fs, A1042fs.
Identifiers: ClinVar variation 437975 (VCV000437975.19), dbSNP rs756806434, ClinGen allele CA8082660.